The following is an entry in ClinVar:

NM_006947.4(SRP72):c.1330C>T (p.Pro444Ser)

Gene: SRP72 (signal recognition particle 72; plus strand). Cytogenetic location: 4q12.
Variant type: single nucleotide variant.
Coding change: c.1330C>T on transcript NM_006947.4 (MANE Select); coding-DNA position 1330, C replaced by T.
Protein change: p.Pro444Ser; replaces proline 444 with serine.
Molecular consequence: missense variant. On other transcripts: non-coding transcript variant (1).
Genome position (GRCh38, 1-based): chr4:56,490,342, C>T. VCF-style: chr4-56490342-C-T. GRCh37 (hg19) VCF-style: chr4-57356508-C-T.
Other names: c.1147C>T, p.Pro383Ser (NM_001267722.2); c.1330C>T (NM_006947.3); short protein forms P444S, P383S.
Identifiers: ClinVar variation 2958831 (VCV002958831.4), dbSNP rs368755893, ClinGen allele CA97607205.

ClinVar aggregate classification (germline): Uncertain significance. Review status: criteria provided, multiple submitters, no conflicts (2 of 4 stars). 2 submissions from 2 submitters: Uncertain significance (2). Last evaluated 2025-01-27.

Allele frequency attached by ClinVar (database versions not stated): gnomAD exomes below 0.00001; TOPMed 0.00001; gnomAD 0.00002; ESP Exome Variant Server 0.00008.
gnomAD v4.1: 7 of 1,607,860 alleles (0.00044%); highest among the groups gnomAD compares: African/African-American, 0.0067%; no homozygotes.

Submissions (2):

Ambry Genetics
Classification: Uncertain significance. Last evaluated: 2025-01-27. Review status: criteria provided, single submitter. Criteria: Ambry Variant Classification Scheme 2023. Collection method: clinical testing. Allele origin: germline.
Comment: The p.P444S variant (also known as c.1330C>T), located in coding exon 14 of the SRP72 gene, results from a C to T substitution at nucleotide position 1330. The proline at codon 444 is replaced by serine, an amino acid with similar properties. This amino acid position is conserved. In addition, this alteration is predicted to be tolerated by in silico analysis. Based on the available evidence, the clinical significance of this variant remains unclear.

Labcorp Genetics (formerly Invitae), Labcorp
Classification: Uncertain significance. Last evaluated: 2024-10-30. Review status: criteria provided, single submitter. Criteria: Invitae Variant Classification Sherloc (09022015). Collection method: clinical testing. Allele origin: germline.
Comment: This sequence change replaces proline, which is neutral and non-polar, with serine, which is neutral and polar, at codon 444 of the SRP72 protein (p.Pro444Ser). This variant is present in population databases (rs368755893, gnomAD 0.008%). This variant has not been reported in the literature in individuals affected with SRP72-related conditions. ClinVar contains an entry for this variant (Variation ID: 2958831). Invitae Evidence Modeling of protein sequence and biophysical properties (such as structural, functional, and spatial information, amino acid conservation, physicochemical variation, residue mobility, and thermodynamic stability) indicates that this missense variant is not expected to disrupt SRP72 protein function with a negative predictive value of 80%. In summary, the available evidence is currently insufficient to determine the role of this variant in disease. Therefore, it has been classified as a Variant of Uncertain Significance.